The following is an entry in ClinVar:

ClinVar aggregate classification (germline): Uncertain significance (1 of 4 stars; one submission).

Conditions:
Cardiovascular phenotype. Identifiers: MedGen CN230736.

gnomAD v4.1: 3 of 1,401,004 alleles (0.00021%); highest among the groups gnomAD compares: Non-Finnish European, 0.00028%; no homozygotes.

Submission:

Ambry Genetics
Classification: Uncertain significance for Cardiovascular phenotype. Last evaluated: 2026-04-02. Review status: criteria provided, single submitter. Criteria: Ambry Variant Classification Scheme 2023. Collection method: clinical testing. Allele origin: germline.
Comment: The p.Q90P variant (also known as c.269A>C), located in coding exon 2 of the TECRL gene, results from an A to C substitution at nucleotide position 269. The glutamine at codon 90 is replaced by proline, an amino acid with similar properties. This amino acid position is conserved. In addition, this alteration is predicted to be tolerated by in silico analysis. Based on the available evidence, the clinical significance of this variant remains unclear.

NM_001010874.5(TECRL):c.269A>C (p.Gln90Pro)

Gene: TECRL (trans-2,3-enoyl-CoA reductase like; minus strand). Cytogenetic location: 4q13.1.
Variant type: single nucleotide variant.
Coding change: c.269A>C on transcript NM_001010874.5 (MANE Select); coding-DNA position 269, A replaced by C.
Protein change: p.Gln90Pro; replaces glutamine 90 with proline.
Molecular consequence: missense variant.
Genome position (GRCh38, 1-based): chr4:64,375,189, T>G on the plus strand (A>C on the coding strand, the complement: TECRL is on the minus strand). VCF-style: chr4-64375189-T-G. GRCh37 (hg19) VCF-style: chr4-65240907-T-G.
Other names: c.269A>C, p.Gln90Pro (NM_001363796.1); short protein forms Q90P.
Identifiers: ClinVar variation 4865413 (VCV004865413.1).